The following is an entry in ClinVar:

NM_003036.4(SKI):c.86T>G (p.Met29Arg)

Gene: SKI (SKI proto-oncogene; plus strand). Cytogenetic location: 1p36.33.
Variant type: single nucleotide variant.
Coding change: c.86T>G on transcript NM_003036.4 (MANE Select); coding-DNA position 86, T replaced by G.
Protein change: p.Met29Arg; replaces methionine 29 with arginine.
Molecular consequence: missense variant.
Genome position (GRCh38, 1-based): chr1:2,228,852, T>G. VCF-style: chr1-2228852-T-G. GRCh37 (hg19) VCF-style: chr1-2160291-T-G.
Other names: short protein forms M29R.
Identifiers: ClinVar variation 1764370 (VCV001764370.4), dbSNP rs779415339, ClinGen allele CA536335.
Genomic context (GRCh38, chr1:2,228,852, plus strand): 5'-GCTGTTTCCAGCCGCACCCGGGGCTGCAGAAGACGCTGGAGCAGTTCCACCTGAGCTCCA[T>G]GAGCTCGCTGGGCGGCCCGGCCGCTTTCTCGGCGCGCTGGGCGCAGGAGGCCTACAAGAA-3'
Protein context (NP_003027.1, residues 19-39): KTLEQFHLSS[Met29Arg]SSLGGPAAFS

ClinVar aggregate classification (germline): Conflicting classifications of pathogenicity. Review status: criteria provided, conflicting classifications (1 of 4 stars). 2 submissions from 2 submitters: Uncertain significance (1); Likely benign (1). Last evaluated 2025-09-27.

Conditions:
Shprintzen-Goldberg syndrome (SGS). Also called: CRANIOSYNOSTOSIS WITH ARACHNODACTYLY AND ABDOMINAL HERNIAS; SHPRINTZEN-GOLDBERG CRANIOSYNOSTOSIS SYNDROME; Marfanoid disorder with craniosynostosis type 1; Marfanoid craniosynostosis syndrome; Shprintzen-Goldberg marfanoid syndrome. Identifiers: Orphanet 2462, MedGen C1321551, MONDO:0008426, OMIM 182212.
Familial thoracic aortic aneurysm and aortic dissection (TAAD). Also called: Thoracic aortic aneurysms and dissections. Identifiers: Orphanet 91387, MedGen C4707243, MONDO:0019625.

Allele frequency attached by ClinVar (database versions not stated): gnomAD exomes 0.00001; gnomAD 0.00003; ExAC 0.00008; TOPMed 0.00002.
gnomAD v4.1: 15 of 1,423,320 alleles (0.0011%); highest among the groups gnomAD compares: African/African-American, 0.013%; no homozygotes.

Submissions (2):

Labcorp Genetics (formerly Invitae), Labcorp
Classification: Likely benign for Shprintzen-Goldberg syndrome. Last evaluated: 2025-09-27. Review status: criteria provided, single submitter. Criteria: Invitae Variant Classification Sherloc (09022015). Collection method: clinical testing. Allele origin: germline.

Ambry Genetics
Classification: Uncertain significance for Familial thoracic aortic aneurysm and aortic dissection. Last evaluated: 2024-11-30. Review status: criteria provided, single submitter. Criteria: Ambry Variant Classification Scheme 2023. Collection method: clinical testing. Allele origin: germline.
Comment: The p.M29R variant (also known as c.86T>G), located in coding exon 1 of the SKI gene, results from a T to G substitution at nucleotide position 86. The methionine at codon 29 is replaced by arginine, an amino acid with similar properties. This amino acid position is conserved. In addition, the in silico prediction for this alteration is inconclusive. Since supporting evidence is limited at this time, the clinical significance of this alteration remains unclear.